The following is an entry in ClinVar:

NM_206933.4(USH2A):c.6883G>A (p.Gly2295Arg)

Gene: USH2A (usherin; minus strand). Cytogenetic location: 1q41.
Variant type: single nucleotide variant.
Coding change: c.6883G>A on transcript NM_206933.4 (MANE Select); coding-DNA position 6883, G replaced by A.
Protein change: p.Gly2295Arg; replaces glycine 2295 with arginine.
Molecular consequence: missense variant.
Genome position (GRCh38, 1-based): chr1:215,970,699, C>T on the plus strand (G>A on the coding strand, the complement: USH2A is on the minus strand). VCF-style: chr1-215970699-C-T. GRCh37 (hg19) VCF-style: chr1-216144041-C-T.
Other names: short protein forms G2295R.
Identifiers: ClinVar variation 374591 (VCV000374591.55), dbSNP rs768253909, ClinGen allele CA1395009.
Genomic context (GRCh38, chr1:215,970,699, plus strand): 5'-CACAACCTTTGGCCGTGCATGCTTGGACTCTGAAGGAATGTAAACTCCAAGGAGCAAATC[C>T]GTAAGCACGATAGCTGAGTTCTGAGGAATTGTGGATTAATATACCATCTAGATATAATCC-3'
Protein context (NP_996816.3, residues 2285-2305): NSSELSYRAY[Gly2295Arg]FAPWSLHSFR

ClinVar aggregate classification (germline): Conflicting classifications of pathogenicity. Review status: criteria provided, conflicting classifications (1 of 4 stars). 8 submissions from 8 submitters: Likely pathogenic (1); Uncertain significance (6). 1 of the submissions does not count toward it. Last evaluated 2025-06-16.

Conditions:
Retinitis pigmentosa 39 (RP39). Identifiers: Orphanet 791, MedGen C3151138, MONDO:0013436, OMIM 613809.
Retinal dystrophy. Also called: Inherited retinal dystrophy. Identifiers: Orphanet 71862, MedGen C0854723, MeSH D058499, MONDO:0019118, HP:0000556.
Usher syndrome type 2A. Also called: RETINAL DISEASE IN USHER SYNDROME TYPE IIA, MODIFIER OF; USHER SYNDROME, TYPE IIA. Identifiers: Orphanet 231178, Orphanet 886, MedGen C1848634, MONDO:0010169, OMIM 276901.
USH2A-related disorder. Also called: USH2A-related condition; USH2A-related disorders. Identifiers: MedGen CN239332.

Allele frequency attached by ClinVar (database versions not stated): gnomAD 0.00002; ExAC 0.00003; TOPMed 0.00004; gnomAD exomes 0.00007 and 0.00014.
gnomAD v4.1: 206 of 1,613,516 alleles (0.013%); highest among the groups gnomAD compares: Non-Finnish European, 0.017%; no homozygotes.

Submissions (8):

Labcorp Genetics (formerly Invitae), Labcorp
Classification: Uncertain significance. Last evaluated: 2025-06-16. Review status: criteria provided, single submitter. Criteria: Invitae Variant Classification Sherloc (09022015). Collection method: clinical testing. Allele origin: germline.
Comment: This sequence change replaces glycine, which is neutral and non-polar, with arginine, which is basic and polar, at codon 2295 of the USH2A protein (p.Gly2295Arg). This variant is present in population databases (rs768253909, gnomAD 0.01%). This missense change has been observed in individual(s) with Usher syndrome (PMID: 34440443). ClinVar contains an entry for this variant (Variation ID: 374591). Invitae Evidence Modeling of protein sequence and biophysical properties (such as structural, functional, and spatial information, amino acid conservation, physicochemical variation, residue mobility, and thermodynamic stability) indicates that this missense variant is expected to disrupt USH2A protein function with a positive predictive value of 95%. In summary, the available evidence is currently insufficient to determine the role of this variant in disease. Therefore, it has been classified as a Variant of Uncertain Significance.

Blueprint Genetics
Classification: Uncertain significance. Last evaluated: 2024-08-19. Review status: criteria provided, single submitter. Criteria: ACMG Guidelines, 2015. Collection method: clinical testing. Allele origin: germline.

Institute of Human Genetics, Univ. Regensburg, Univ. Regensburg
Classification: Uncertain significance for Retinal dystrophy. Last evaluated: 2023-01-01. Review status: criteria provided, single submitter. Criteria: ACMG Guidelines, 2015. Collection method: clinical testing. Allele origin: germline. Affected: yes.

Fulgent Genetics
Classification: Uncertain significance for Usher syndrome type 2A; Retinitis pigmentosa 39. Last evaluated: 2022-03-31. Review status: criteria provided, single submitter. Criteria: ACMG Guidelines, 2015. Collection method: clinical testing. Allele origin: unknown.

DBGen Ocular Genomics
Classification: Likely pathogenic for Retinitis pigmentosa 39. Last evaluated: 2021-01-01. Review status: criteria provided, single submitter. Criteria: ACMG Guidelines, 2015. Collection method: clinical testing. Allele origin: unknown. Inheritance: Autosomal recessive inheritance. Affected: yes.
Comment: Class 4 ACMG Guidelines, 2015

Laboratory for Molecular Medicine, Mass General Brigham Personalized Medicine
Classification: Uncertain significance. Last evaluated: 2018-01-20. Review status: criteria provided, single submitter. Criteria: LMM Criteria. Collection method: clinical testing. Allele origin: germline. Observed: 1 variant allele.
Comment: The p.Gly2295Arg variant in USH2A has not been previously reported in individual s with hearing loss or Usher syndrome, but has been identified in 16/111388 Euro pean chromosomes by the Genome Aggregation Database (gnomAD; dbSNPrs768253909). This variant has been reported in ClinVar (Var iation ID 374591). Computational prediction tools and conservation analysis sugg est that the p.Gly2295Arg variant may impact the protein and in silico splice pr ediction tools suggest that this variant may create a novel splice acceptor site . However, these tools are not predictive enough to determine pathogenicity. In summary, the clinical significance of the p.Gly2295Arg variant is uncertain. ACM G/AMP Criteria applied: PP3.

CeGaT Center for Human Genetics Tuebingen
Classification: Uncertain significance. Last evaluated: 2016-08-01. Review status: criteria provided, single submitter. Criteria: CeGaT Center For Human Genetics Tuebingen Variant Classification Criteria Version 2. Collection method: clinical testing. Allele origin: germline. Affected: yes. Observed: 1 variant allele.

Natera, Inc.
Classification: Uncertain significance for Usher syndrome type 2A. Last evaluated: 2020-01-17. Review status: no assertion criteria provided. Collection method: clinical testing. Allele origin: germline. Not counted in ClinVar's aggregate classification.

Literature cited by the submitters: PubMed 34440443 (cited by Labcorp Genetics (formerly Invitae), Labcorp and Institute of Human Genetics, Univ. Regensburg, Univ. Regensburg).